The following is an entry in ClinVar:

ClinVar aggregate classification (germline): Uncertain significance (1 of 4 stars; one submission).

Submission:

Laboratory for Molecular Medicine, Mass General Brigham Personalized Medicine
Classification: Uncertain significance. Last evaluated: 2015-03-06. Review status: criteria provided, single submitter. Criteria: LMM Criteria. Collection method: clinical testing. Allele origin: germline. Observed: 1 variant allele.
Comment: The p.Pro1100Leu variant in CDH23 has not been previously reported in individual s with hearing loss and was absent from large population studies. Computational prediction tools and conservation analyses suggest that the p.Pro1100Leu variant may impact the protein, though this information is not predictive enough to det ermine pathogenicity. In summary, the clinical significance of the p.Pro1100Leu variant is uncertain.

NM_022124.6(CDH23):c.3299C>T (p.Pro1100Leu)

Genes: C10orf105 (chromosome 10 open reading frame 105; minus strand), CDH23 (cadherin related 23; plus strand). Cytogenetic location: 10q22.1.
Variant type: single nucleotide variant.
Coding change: c.3299C>T on transcript NM_022124.6 (MANE Select); coding-DNA position 3299, C replaced by T.
Protein change: p.Pro1100Leu; replaces proline 1100 with leucine.
Molecular consequence: missense variant. On other transcripts: 3 prime UTR variant (2).
Genome position (GRCh38, 1-based): chr10:71,712,743, C>T. VCF-style: chr10-71712743-C-T. GRCh37 (hg19) VCF-style: chr10-73472500-C-T.
Other names: c.*3193G>A (NM_001164375.3, NM_001168390.2); c.3299C>T, p.Pro1100Leu (NM_001171930.2); short protein forms P1100L.
Identifiers: ClinVar variation 228490 (VCV000228490.4), dbSNP rs876657753, ClinGen allele CA10576813.
Genomic context (GRCh38, chr10:71,712,743, plus strand): 5'-AGCGACACACGGGCACAGCCACCGTGTTCGTCACTGTCCTGGATGTGAATGACAACCGGC[C>T]CATCTTTCTGCAGAGCAGCTATGAGGCCAGCGTCCCTGAGGACATCCCTGAAGGCCACAG-3'
Protein context (NP_071407.4, residues 1090-1110): VTVLDVNDNR[Pro1100Leu]IFLQSSYEAS